The following is an entry in ClinVar:

NM_000834.5(GRIN2B):c.101G>C (p.Ser34Thr)

Gene: GRIN2B (glutamate ionotropic receptor NMDA type subunit 2B; minus strand). Cytogenetic location: 12p13.1.
Variant type: single nucleotide variant.
Coding change: c.101G>C on transcript NM_000834.5 (MANE Select); coding-DNA position 101, G replaced by C.
Protein change: p.Ser34Thr; replaces serine 34 with threonine.
Molecular consequence: missense variant.
Genome position (GRCh38, 1-based): chr12:13,866,108, C>G on the plus strand (G>C on the coding strand, the complement: GRIN2B is on the minus strand). VCF-style: chr12-13866108-C-G. GRCh37 (hg19) VCF-style: chr12-14019042-C-G.
Other names: c.101G>C, p.Ser34Thr (NM_001413992.1, NM_001413993.1, NM_001413994.1 and 1 more transcripts); short protein forms S34T.
Identifiers: ClinVar variation 2954025 (VCV002954025.3), dbSNP rs777940683, ClinGen allele CA384054995.

ClinVar aggregate classification (germline): Uncertain significance (1 of 4 stars; one submission).

Conditions:
Intellectual developmental disorder, autosomal dominant 6, with or without seizures. Also called: GRIN2B-related developmental delay, intellectual disability and autism spectrum disorder; Intellectual disability, autosomal dominant 6. Identifiers: Orphanet 589547, MedGen C3151411, MONDO:0013509, OMIM 613970.
Developmental and epileptic encephalopathy, 27 (DEE27). Also called: Epileptic encephalopathy, early infantile, 27; GRIN2B-Related Neurodevelopmental Disorder. Identifiers: Orphanet 3451, MedGen C4015316, MONDO:0014505, OMIM 616139.

Submission:

Labcorp Genetics (formerly Invitae), Labcorp
Classification: Uncertain significance for Developmental and epileptic encephalopathy, 27; Intellectual developmental disorder, autosomal dominant 6, with or without seizures. Last evaluated: 2023-08-09. Review status: criteria provided, single submitter. Criteria: Invitae Variant Classification Sherloc (09022015). Collection method: clinical testing. Allele origin: germline.
Comment: This sequence change replaces serine, which is neutral and polar, with threonine, which is neutral and polar, at codon 34 of the GRIN2B protein (p.Ser34Thr). This variant is not present in population databases (gnomAD no frequency). This variant has not been reported in the literature in individuals affected with GRIN2B-related conditions. Advanced modeling of protein sequence and biophysical properties (such as structural, functional, and spatial information, amino acid conservation, physicochemical variation, residue mobility, and thermodynamic stability) performed at Invitae indicates that this missense variant is not expected to disrupt GRIN2B protein function. In summary, the available evidence is currently insufficient to determine the role of this variant in disease. Therefore, it has been classified as a Variant of Uncertain Significance.